The following is an entry in ClinVar:

ClinVar aggregate classification (germline): Pathogenic (1 of 4 stars; one submission).

Conditions:
Hereditary spastic paraplegia 4. Also called: Spastic paraplegia 4, autosomal dominant; Spastic Paraplegia 4; Familial spastic paraplegia autosomal dominant 2. Identifiers: Orphanet 100985, MedGen C1866855, MONDO:0008438, OMIM 182601.

Submission:

Labcorp Genetics (formerly Invitae), Labcorp
Classification: Pathogenic for Hereditary spastic paraplegia 4. Last evaluated: 2021-08-04. Review status: criteria provided, single submitter. Criteria: Invitae Variant Classification Sherloc (09022015). Collection method: clinical testing. Allele origin: germline.
Comment: For these reasons, this variant has been classified as Pathogenic. This variant has not been reported in the literature in individuals affected with SPAST-related conditions. This variant is not present in population databases (ExAC no frequency). This sequence change creates a premature translational stop signal (p.Ile357Metfs*7) in the SPAST gene. It is expected to result in an absent or disrupted protein product. Loss-of-function variants in SPAST are known to be pathogenic (PMID: 20932283).

Literature cited by the submitters: PubMed 20932283.

NM_014946.4(SPAST):c.1071del (p.Ile357fs)

Gene: SPAST (spastin; plus strand). Cytogenetic location: 2p22.3.
Variant type: Deletion.
Coding change: c.1071del on transcript NM_014946.4 (MANE Select); coding-DNA position 1071, one base deleted (T; older notation c.1071delT).
Protein change: p.Ile357fs; shifts the reading frame from isoleucine 357.
Molecular consequence: frameshift variant.
Genome position (GRCh38, 1-based): chr2:32,116,185, T deleted; the last of 2 consecutive T bases (chr2:32,116,184-32,116,185); deleting either gives the same sequence. VCF-style (leftmost placement, unchanged base first): chr2-32116183-AT-A. GRCh37 (hg19) VCF-style: chr2-32341252-AT-A.
Other names: c.1068del, p.Ile356fs (NM_001363823.2); c.972del, p.Ile324fs (NM_001363875.2); c.975del, p.Ile325fs (NM_001377959.1, NM_199436.2); short protein forms I325fs, I324fs, I357fs, I356fs.
Identifiers: ClinVar variation 1458753 (VCV001458753.6), dbSNP rs2148734583, ClinGen allele CA2573134502.